The following is an entry in ClinVar:

ClinVar aggregate classification (germline): Uncertain significance (1 of 4 stars; one submission).

Allele frequency attached by ClinVar (database versions not stated): gnomAD exomes below 0.00001.

Submission:

CeGaT Center for Human Genetics Tuebingen
Classification: Uncertain significance. Last evaluated: 2023-06-01. Review status: criteria provided, single submitter. Criteria: CeGaT Center For Human Genetics Tuebingen Variant Classification Criteria Version 2. Collection method: clinical testing. Allele origin: germline. Affected: yes. Observed: 1 variant allele.
Comment: GFM1: PM2

NM_024996.7(GFM1):c.1348G>A (p.Val450Ile)

Gene: GFM1 (G elongation factor mitochondrial 1; plus strand). Cytogenetic location: 3q25.32.
Variant type: single nucleotide variant.
Coding change: c.1348G>A on transcript NM_024996.7 (MANE Select); coding-DNA position 1348, G replaced by A.
Protein change: p.Val450Ile; replaces valine 450 with isoleucine.
Molecular consequence: missense variant. On other transcripts: non-coding transcript variant (4).
Genome position (GRCh38, 1-based): chr3:158,662,652, G>A. VCF-style: chr3-158662652-G-A. GRCh37 (hg19) VCF-style: chr3-158380441-G-A.
Other names: c.1405G>A, p.Val469Ile (NM_001308164.2); c.1348G>A, p.Val450Ile (NM_001308166.2); c.1267G>A, p.Val423Ile (NM_001374355.1); c.1231G>A, p.Val411Ile (NM_001374356.1); c.1123G>A, p.Val375Ile (NM_001374357.1); c.889G>A, p.Val297Ile (NM_001374358.1); c.781G>A, p.Val261Ile (NM_001374359.1, NM_001374360.1); c.664G>A, p.Val222Ile (NM_001374361.1); short protein forms V222I, V261I, V297I, V375I, V411I, V423I, V450I, V469I.
Identifiers: ClinVar variation 2571192 (VCV002571192.27), dbSNP rs2473998488, ClinGen allele CA355178089.